The following is an entry in ClinVar:

NM_006767.4(LZTR1):c.731C>T (p.Ser244Phe)

Gene: LZTR1 (leucine zipper like post translational regulator 1; plus strand). Cytogenetic location: 22q11.21.
Variant type: single nucleotide variant.
Coding change: c.731C>T on transcript NM_006767.4 (MANE Select); coding-DNA position 731, C replaced by T.
Protein change: p.Ser244Phe; replaces serine 244 with phenylalanine.
Molecular consequence: missense variant.
Genome position (GRCh38, 1-based): chr22:20,990,465, C>T. VCF-style: chr22-20990465-C-T. GRCh37 (hg19) VCF-style: chr22-21344754-C-T.
Other names: short protein forms S244F.
Identifiers: ClinVar variation 4888080 (VCV004888080.1).

ClinVar aggregate classification (germline): Likely pathogenic (1 of 4 stars; one submission).

Submission:

GeneDx
Classification: Likely pathogenic. Last evaluated: 2026-01-25. Review status: criteria provided, single submitter. Criteria: GeneDx Variant Classification Process June 2021. Collection method: clinical testing. Allele origin: germline.
Comment: Previously reported in an individual from a large neurodevelopmental disabilities cohort; however, segregation data and additional clinical information were not provided (PMID: 28191889); Not observed at significant frequency in large population cohorts (gnomAD); In silico analysis supports that this missense variant has a deleterious effect on protein structure/function; This variant is associated with the following publications: (PMID: 28191889)